The following is an entry in ClinVar:

ClinVar aggregate classification (germline): Likely benign (1 of 4 stars; one submission).

Conditions:
MHC class II deficiency. Also called: Bare lymphocyte syndrome 2; BLS, TYPE II. Identifiers: Orphanet 572, MedGen C5447452, MONDO:0008855.

Allele frequency attached by ClinVar (database versions not stated): 1000 Genomes Project 30x 0.00125; 1000 Genomes Project 0.00140; gnomAD 0.00251 and 0.00263; TOPMed 0.00259; gnomAD exomes 0.00367.
gnomAD v4.1: 427 of 159,780 alleles (0.27%); highest among the groups gnomAD compares: South Asian, 0.7%; no homozygotes.

Submission:

Illumina Laboratory Services, Illumina
Classification: Likely benign for MHC class II deficiency 1. Last evaluated: 2018-01-12. Review status: criteria provided, single submitter. Criteria: ICSL Variant Classification Criteria 13 December 2019. Collection method: clinical testing. Allele origin: germline.
Comment: This variant was observed in the ICSL laboratory as part of a predisposition screen in an ostensibly healthy population. It had not been previously curated by ICSL or reported in the Human Gene Mutation Database (HGMD: prior to June 1st, 2018), and was therefore a candidate for classification through an automated scoring system. Utilizing variant allele frequency, disease prevalence and penetrance estimates, and inheritance mode, an automated score was calculated to assess if this variant is too frequent to cause the disease. Based on the score and internal cut-off values, a variant classified as likely benign is not then subjected to further curation. The score for this variant resulted in a classification of likely benign for this disease.

NM_000538.4(RFXAP):c.*479G>A

Gene: RFXAP (regulatory factor X associated protein; plus strand). Cytogenetic location: 13q13.3.
Variant type: single nucleotide variant.
Coding change: c.*479G>A on transcript NM_000538.4 (MANE Select); 479 bases downstream of the stop codon, G replaced by A.
Molecular consequence: 3 prime UTR variant.
Genome position (GRCh38, 1-based): chr13:36,828,232, G>A. VCF-style: chr13-36828232-G-A. GRCh37 (hg19) VCF-style: chr13-37402369-G-A.
Identifiers: ClinVar variation 880853 (VCV000880853.4), dbSNP rs117112761, ClinGen allele CA248184351.